The following is an entry in ClinVar:

NM_002529.4(NTRK1):c.1795C>T (p.Arg599Cys)

Gene: NTRK1 (neurotrophic receptor tyrosine kinase 1; plus strand). Cytogenetic location: 1q23.1.
Variant type: single nucleotide variant.
Coding change: c.1795C>T on transcript NM_002529.4 (MANE Select); coding-DNA position 1795, C replaced by T.
Protein change: p.Arg599Cys; replaces arginine 599 with cysteine.
Molecular consequence: missense variant.
Genome position (GRCh38, 1-based): chr1:156,876,562, C>T. VCF-style: chr1-156876562-C-T. GRCh37 (hg19) VCF-style: chr1-156846354-C-T.
Other names: c.1687C>T, p.Arg563Cys (NM_001007792.1); c.1777C>T, p.Arg593Cys (NM_001012331.2); short protein forms R563C, R599C, R593C.
Identifiers: ClinVar variation 573662 (VCV000573662.8), dbSNP rs772229945, ClinGen allele CA1169468.

ClinVar aggregate classification (germline): Uncertain significance. Review status: criteria provided, multiple submitters, no conflicts (2 of 4 stars). 3 submissions from 3 submitters: Uncertain significance (3). Last evaluated 2023-05-15.

Conditions:
Hereditary insensitivity to pain with anhidrosis (CIPA). Also called: NEUROPATHY, CONGENITAL SENSORY, WITH ANHIDROSIS; NTRK1 Congenital Insensitivity to Pain with Anhidrosis; INSENSITIVITY TO PAIN, CONGENITAL, WITH ANHIDROSIS; FAMILIAL DYSAUTONOMIA, TYPE II; hereditary sensory and autonomic neuropathy type 4; HSAN Type IV. Identifiers: Orphanet 642, MedGen C0020074, MONDO:0009746, OMIM 256800.
Inborn genetic diseases. Identifiers: MedGen C0950123, MeSH D030342.

Allele frequency attached by ClinVar (database versions not stated): ExAC 0.00001; gnomAD 0.00001; gnomAD exomes 0.00001.
gnomAD v4.1: 10 of 1,611,990 alleles (0.00062%); highest among the groups gnomAD compares: Non-Finnish European, 0.00076%; no homozygotes.

Submissions (3):

Ambry Genetics
Classification: Uncertain significance for Inborn genetic diseases. Last evaluated: 2023-05-15. Review status: criteria provided, single submitter. Criteria: Ambry Variant Classification Scheme 2023. Collection method: clinical testing. Allele origin: germline.

Genome-Nilou Lab
Classification: Uncertain significance for Hereditary insensitivity to pain with anhidrosis. Last evaluated: 2023-04-11. Review status: criteria provided, single submitter. Criteria: ACMG Guidelines, 2015. Collection method: clinical testing. Allele origin: germline. Affected: no.

Labcorp Genetics (formerly Invitae), Labcorp
Classification: Uncertain significance for Hereditary insensitivity to pain with anhidrosis. Last evaluated: 2021-08-28. Review status: criteria provided, single submitter. Criteria: Invitae Variant Classification Sherloc (09022015). Collection method: clinical testing. Allele origin: germline.
Comment: This sequence change replaces arginine with cysteine at codon 593 of the NTRK1 protein (p.Arg593Cys). The arginine residue is highly conserved and there is a large physicochemical difference between arginine and cysteine. This variant is present in population databases (rs772229945, ExAC 0.002%). This variant has not been reported in the literature in individuals affected with NTRK1-related conditions. Algorithms developed to predict the effect of missense changes on protein structure and function are either unavailable or do not agree on the potential impact of this missense change (SIFT: "Deleterious"; PolyPhen-2: "Benign"; Align-GVGD: "Class C65"). In summary, the available evidence is currently insufficient to determine the role of this variant in disease. Therefore, it has been classified as a Variant of Uncertain Significance.